The following is an entry in ClinVar:

ClinVar aggregate classification (germline): Conflicting classifications of pathogenicity. Review status: criteria provided, conflicting classifications (1 of 4 stars). 8 submissions from 8 submitters: Uncertain significance (6); Benign (1). 1 of the submissions does not count toward it. Last evaluated 2025-11-10.

Conditions:
Hereditary cancer-predisposing syndrome. Also called: Tumor predisposition; Hereditary Cancer Syndrome; Neoplastic Syndromes, Hereditary; Hereditary neoplastic syndrome. Identifiers: Orphanet 140162, MedGen C0027672, MeSH D009386, MONDO:0015356.
Tuberous sclerosis 2 (TSC2). Identifiers: Orphanet 805, MedGen C1860707, MONDO:0013199, OMIM 613254.
Autism spectrum disorder. Also called: Autism spectrum disorders. Identifiers: MedGen C1510586, MeSH D000067877, MONDO:0005258.
Tuberous sclerosis syndrome (TSC). Also called: Tuberous Sclerosis Complex; Tuberous sclerosis. Identifiers: Orphanet 805, MedGen C0041341, MONDO:0001734.
Isolated focal cortical dysplasia type II (FCORD2). Also called: CORTICAL DYSPLASIA OF TAYLOR; Focal cortical dysplasia type II. Identifiers: Orphanet 268994, MedGen C1846385, MONDO:0011818, OMIM 607341, HP:0032051.

gnomAD v4.1: 1 of 1,613,944 alleles (0.000062%); highest among the groups gnomAD compares: Non-Finnish European, 0.000085%; no homozygotes.

Submissions (8):

Labcorp Genetics (formerly Invitae), Labcorp
Classification: Benign for Tuberous sclerosis 2. Last evaluated: 2025-11-10. Review status: criteria provided, single submitter. Criteria: Invitae Variant Classification Sherloc (09022015). Collection method: clinical testing. Allele origin: germline.

Ambry Genetics
Classification: Uncertain significance for Hereditary cancer-predisposing syndrome. Last evaluated: 2025-09-04. Review status: criteria provided, single submitter. Criteria: Ambry Variant Classification Scheme 2023. Collection method: clinical testing. Allele origin: germline.
Comment: The p.I64V variant (also known as c.190A>G), located in coding exon 2 of the TSC2 gene, results from an A to G substitution at nucleotide position 190. The isoleucine at codon 64 is replaced by valine, an amino acid with highly similar properties. This amino acid position is not well conserved in available vertebrate species. In addition, the in silico prediction for this alteration is inconclusive. Since supporting evidence is limited at this time, the clinical significance of this alteration remains unclear.

Color Diagnostics, LLC DBA Color Health
Classification: Uncertain significance for Tuberous sclerosis syndrome. Last evaluated: 2025-07-03. Review status: criteria provided, single submitter. Criteria: ACMG Guidelines, 2015. Collection method: clinical testing. Allele origin: germline.
Comment: This missense variant replaces isoleucine with valine at codon 64 of the TSC2 protein. Computational prediction suggests that this variant may not impact protein structure and function. To our knowledge, functional studies have not been reported for this variant. This variant has not been reported in individuals affected with TSC2-related disorders in the literature. This variant has been identified in 1/251140 chromosomes in the general population by the Genome Aggregation Database (gnomAD). The available evidence is insufficient to determine the role of this variant in disease conclusively. Therefore, this variant is classified as a Variant of Uncertain Significance.

All of Us Research Program, National Institutes of Health
Classification: Uncertain significance for Tuberous sclerosis syndrome. Last evaluated: 2023-11-20. Review status: criteria provided, single submitter. Criteria: ACMG Guidelines, 2015. Collection method: clinical testing. Allele origin: germline. Inheritance: Autosomal dominant inheritance. Observed: 2 variant alleles, 2 heterozygotes.
Comment: This missense variant replaces isoleucine with valine at codon 64 of the TSC2 protein. Computational prediction suggests that this variant may not impact protein structure and function (internally defined REVEL score threshold <= 0.5, PMID: 27666373). To our knowledge, functional studies have not been reported for this variant. This variant has not been reported in individuals affected with TSC2-related disorders in the literature. This variant has been identified in 1/251140 chromosomes in the general population by the Genome Aggregation Database (gnomAD). The available evidence is insufficient to determine the role of this variant in disease conclusively. Therefore, this variant is classified as a Variant of Uncertain Significance.

This study involves interpretation of variants in research participants for the purpose of population health screening. Participant phenotype was not available at the time of variant classification. Additional details can be found in publication PMID: 35346344, PMCID: PMC8962531

Baylor Genetics
Classification: Uncertain significance for Isolated focal cortical dysplasia type II. Last evaluated: 2023-05-24. Review status: criteria provided, single submitter. Criteria: ACMG Guidelines, 2015. Collection method: clinical testing. Allele origin: unknown.

Genome-Nilou Lab
Classification: Uncertain significance for Tuberous sclerosis 2. Last evaluated: 2021-11-07. Review status: criteria provided, single submitter. Criteria: ACMG Guidelines, 2015. Collection method: clinical testing. Allele origin: germline. Affected: no.

Illumina Laboratory Services, Illumina
Classification: Uncertain significance for Tuberous sclerosis syndrome. Last evaluated: 2018-03-02. Review status: criteria provided, single submitter. Criteria: ICSL Variant Classification Criteria 13 December 2019. Collection method: clinical testing. Allele origin: germline.

Tuberous sclerosis database (TSC2)
No classification provided. Condition: ASD. Review status: no classification provided. Criteria: Tuberous Sclerosis Database Assertion Criteria 2015. Collection method: curation. Allele origin: germline. Affected: yes. Not counted in ClinVar's aggregate classification.

Literature cited by the submitters: PubMed 23514105 (cited by Ambry Genetics).

NM_000548.5(TSC2):c.190A>G (p.Ile64Val)

Gene: TSC2 (TSC complex subunit 2; plus strand). Cytogenetic location: 16p13.3.
Variant type: single nucleotide variant.
Coding change: c.190A>G on transcript NM_000548.5 (MANE Select); coding-DNA position 190, A replaced by G.
Protein change: p.Ile64Val; replaces isoleucine 64 with valine.
Molecular consequence: missense variant. On other transcripts: 5 prime UTR variant (1).
Genome position (GRCh38, 1-based): chr16:2,050,451, A>G. VCF-style: chr16-2050451-A-G. GRCh37 (hg19) VCF-style: chr16-2100452-A-G.
Other names: c.190A>G, p.Ile64Val (NM_001077183.3, NM_001114382.3, NM_001318827.2 and 4 more transcripts); c.43A>G, p.Ile15Val (NM_001318829.2); c.-37A>G (NM_001318831.2); c.223A>G, p.Ile75Val (NM_001318832.2); short protein forms I64V, I15V, I75V.
Identifiers: ClinVar variation 65108 (VCV000065108.25), dbSNP rs397515081, ClinGen allele CA016191.